The following is an entry in ClinVar:

ClinVar aggregate classification (germline): Uncertain significance (1 of 4 stars; one submission).

Allele frequency attached by ClinVar (database versions not stated): ESP Exome Variant Server 0.00008.
gnomAD v4.1: 25 of 1,613,974 alleles (0.0015%); highest among the groups gnomAD compares: African/African-American, 0.0067%; no homozygotes.

Submission:

Labcorp Genetics (formerly Invitae), Labcorp
Classification: Uncertain significance. Last evaluated: 2026-01-19. Review status: criteria provided, single submitter. Criteria: Invitae Variant Classification Sherloc (09022015). Collection method: clinical testing. Allele origin: germline.
Comment: This sequence change replaces glutamic acid, which is acidic and polar, with lysine, which is basic and polar, at codon 588 of the DSG1 protein (p.Glu588Lys). This variant is present in population databases (rs200028630, gnomAD 0.02%). This variant has not been reported in the literature in individuals affected with DSG1-related conditions. ClinVar contains an entry for this variant (Variation ID: 1507811). Invitae Evidence Modeling of protein sequence and biophysical properties (such as structural, functional, and spatial information, amino acid conservation, physicochemical variation, residue mobility, and thermodynamic stability) indicates that this missense variant is not expected to disrupt DSG1 protein function with a negative predictive value of 80%. Algorithms developed to predict the effect of sequence changes on RNA splicing suggest that this variant may disrupt the consensus splice site. In summary, the available evidence is currently insufficient to determine the role of this variant in disease. Therefore, it has been classified as a Variant of Uncertain Significance.

NM_001942.4(DSG1):c.1762G>A (p.Glu588Lys)

Genes: DSG1 (desmoglein 1; plus strand), DSG1-AS1 (DSG1 antisense RNA 1; minus strand). Cytogenetic location: 18q12.1.
Variant type: single nucleotide variant.
Coding change: c.1762G>A on transcript NM_001942.4 (MANE Select); coding-DNA position 1762, G replaced by A.
Protein change: p.Glu588Lys; replaces glutamic acid 588 with lysine.
Molecular consequence: missense variant. On other transcripts: non-coding transcript variant (2).
Genome position (GRCh38, 1-based): chr18:31,343,524, G>A. VCF-style: chr18-31343524-G-A. GRCh37 (hg19) VCF-style: chr18-28923487-G-A.
Other names: short protein forms E588K.
Identifiers: ClinVar variation 1507811 (VCV001507811.6), dbSNP rs200028630, ClinGen allele CA8926165.
Genomic context (GRCh38, chr18:31,343,524, plus strand): 5'-ATGATCTGTTGTGATTGTGGAGGTGCTCCTCGTAGTGCAGCTGGCTTTGAGCCTGTTCCC[G>A]AATGTTCAGATGGAGCAATTCATTCATGGGCAGTAGAAGGACCACAGCCTGAACCCAGGG-3'
Protein context (NP_001933.2, residues 578-598): RSAAGFEPVP[Glu588Lys]CSDGAIHSWA